The following is an entry in ClinVar:

ClinVar aggregate classification (germline): Uncertain significance. Review status: criteria provided, multiple submitters, no conflicts (2 of 4 stars). 2 submissions from 2 submitters: Uncertain significance (2). Last evaluated 2025-01-27.

Conditions:
Inborn genetic diseases. Identifiers: MedGen C0950123, MeSH D030342.

Allele frequency attached by ClinVar (database versions not stated): gnomAD exomes 0.00001 and 0.00003; ExAC 0.00002; TOPMed 0.00002; gnomAD 0.00005.

Submissions (2):

Labcorp Genetics (formerly Invitae), Labcorp
Classification: Uncertain significance. Last evaluated: 2025-01-27. Review status: criteria provided, single submitter. Criteria: Invitae Variant Classification Sherloc (09022015). Collection method: clinical testing. Allele origin: germline.
Comment: This sequence change replaces alanine, which is neutral and non-polar, with threonine, which is neutral and polar, at codon 44 of the TYROBP protein (p.Ala44Thr). This variant is present in population databases (rs775930876, gnomAD 0.004%). This variant has not been reported in the literature in individuals affected with TYROBP-related conditions. ClinVar contains an entry for this variant (Variation ID: 1430408). An algorithm developed to predict the effect of missense changes on protein structure and function (PolyPhen-2) suggests that this variant is likely to be disruptive. In summary, the available evidence is currently insufficient to determine the role of this variant in disease. Therefore, it has been classified as a Variant of Uncertain Significance.

Ambry Genetics
Classification: Uncertain significance for Inborn genetic diseases. Last evaluated: 2024-09-11. Review status: criteria provided, single submitter. Criteria: Ambry Variant Classification Scheme 2023. Collection method: clinical testing. Allele origin: germline.

NM_003332.4(TYROBP):c.130G>A (p.Ala44Thr)

Gene: TYROBP (transmembrane immune signaling adaptor TYROBP; minus strand). Cytogenetic location: 19q13.12.
Variant type: single nucleotide variant.
Coding change: c.130G>A on transcript NM_003332.4 (MANE Select); coding-DNA position 130, G replaced by A.
Protein change: p.Ala44Thr; replaces alanine 44 with threonine.
Molecular consequence: missense variant. On other transcripts: non-coding transcript variant (1).
Genome position (GRCh38, 1-based): chr19:35,907,545, C>T on the plus strand (G>A on the coding strand, the complement: TYROBP is on the minus strand). VCF-style: chr19-35907545-C-T. GRCh37 (hg19) VCF-style: chr19-36398447-C-T.
Other names: c.97G>A, p.Ala33Thr (NM_001173514.2, NM_001173515.2); c.130G>A, p.Ala44Thr (NM_198125.3); c.130G>A (NM_003332.3); short protein forms A33T, A44T.
Identifiers: ClinVar variation 1430408 (VCV001430408.6), dbSNP rs775930876, ClinGen allele CA9393092.